The following is an entry in ClinVar:

NM_001321075.3(DLG4):c.200C>T (p.Thr67Ile)

Gene: DLG4 (discs large MAGUK scaffold protein 4; minus strand). Cytogenetic location: 17p13.1.
Variant type: single nucleotide variant.
Coding change: c.200C>T on transcript NM_001321075.3 (MANE Select); coding-DNA position 200, C replaced by T.
Protein change: p.Thr67Ile; replaces threonine 67 with isoleucine.
Molecular consequence: missense variant. On other transcripts: non-coding transcript variant (1).
Genome position (GRCh38, 1-based): chr17:7,204,018, G>A on the plus strand (C>T on the coding strand, the complement: DLG4 is on the minus strand). VCF-style: chr17-7204018-G-A. GRCh37 (hg19) VCF-style: chr17-7107337-G-A.
Other names: c.191C>T, p.Thr64Ile (NM_001128827.4); c.320C>T, p.Thr107Ile (NM_001321074.1); c.20C>T, p.Thr7Ile (NM_001321076.3, NM_001321077.3); c.329C>T, p.Thr110Ile (NM_001365.5); c.119C>T, p.Thr40Ile (NM_001369566.3); short protein forms T107I, T110I, T40I, T64I, T67I, T7I.
Identifiers: ClinVar variation 1307459 (VCV001307459.2), dbSNP rs2142888003, ClinGen allele CA397720221.

ClinVar aggregate classification (germline): Uncertain significance (1 of 4 stars; one submission).

Submission:

GeneDx
Classification: Uncertain significance. Last evaluated: 2019-08-12. Review status: criteria provided, single submitter. Criteria: GeneDx Variant Classification Process June 2021. Collection method: clinical testing. Allele origin: germline. Affected: yes.
Comment: Not observed in large population cohorts (Lek et al., 2016); In silico analysis, which includes protein predictors and evolutionary conservation, supports a deleterious effect; Has not been previously published as pathogenic or benign to our knowledge